The following is an entry in ClinVar:

ClinVar aggregate classification (germline): Likely pathogenic (1 of 4 stars; one submission).

Conditions:
Gaucher disease. Also called: Acute cerebral Gaucher disease; Cerebroside lipidosis syndrome; Gaucher splenomegaly; Sphingolipidosis 1; Glucocerebrosidosis; Glucosylceramidase deficiency. Identifiers: Orphanet 355, MedGen C0017205, MONDO:0018150.

Submission:

Natera, Inc.
Classification: Likely pathogenic for Gaucher disease. Last evaluated: 2025-11-04. Review status: criteria provided, single submitter. Criteria: Natera Variant Classification Schema (03/2026). Collection method: clinical testing. Allele origin: germline.
Comment: The c.441C>G variant in GBA1 is a nonsense variant predicted to introduce a stop codon at amino acid 147. This variant is expected to result in nonsense mediated decay, truncation, or a dysfunctional protein product. This variant is rare in the general population with a frequency below the threshold expected for the associated phenotype(s). Given the available evidence, this variant is classified as Likely Pathogenic.

NM_000157.4(GBA1):c.441C>G (p.Tyr147Ter)

Genes: GBA1 (glucosylceramidase beta 1; minus strand), LOC106627981 (GBA recombination region; plus strand). Cytogenetic location: 1q22.
Variant type: single nucleotide variant.
Coding change: c.441C>G on transcript NM_000157.4 (MANE Select); coding-DNA position 441, C replaced by G.
Protein change: p.Tyr147Ter; replaces tyrosine 147 with a stop codon.
Molecular consequence: nonsense. On other transcripts: intron variant (1).
Genome position (GRCh38, 1-based): chr1:155,239,629, G>C on the plus strand (C>G on the coding strand, the complement: GBA1 is on the minus strand). VCF-style: chr1-155239629-G-C. GRCh37 (hg19) VCF-style: chr1-155209420-G-C.
Other names: c.441C>G, p.Tyr147Ter (NM_001005741.3, NM_001005742.3); c.180C>G, p.Tyr60Ter (NM_001171811.2); c.307+257C>G (NM_001171812.2); short protein forms Y147*, Y60*.
Identifiers: ClinVar variation 4817761 (VCV004817761.1).